The following is an entry in ClinVar:

ClinVar aggregate classification (germline): Uncertain significance (1 of 4 stars; one submission).

Allele frequency attached by ClinVar (database versions not stated): gnomAD 0.00001; ExAC 0.00003.
gnomAD v4.1: 30 of 1,613,272 alleles (0.0019%); highest among the groups gnomAD compares: Admixed American, 0.0033%; no homozygotes.

Submission:

Labcorp Genetics (formerly Invitae), Labcorp
Classification: Uncertain significance. Last evaluated: 2022-08-19. Review status: criteria provided, single submitter. Criteria: Invitae Variant Classification Sherloc (09022015). Collection method: clinical testing. Allele origin: germline.
Comment: This sequence change replaces alanine, which is neutral and non-polar, with threonine, which is neutral and polar, at codon 3993 of the LRP2 protein (p.Ala3993Thr). This variant is present in population databases (rs779094574, gnomAD 0.009%). This variant has not been reported in the literature in individuals affected with LRP2-related conditions. Advanced modeling of protein sequence and biophysical properties (such as structural, functional, and spatial information, amino acid conservation, physicochemical variation, residue mobility, and thermodynamic stability) performed at Invitae indicates that this missense variant is not expected to disrupt LRP2 protein function. In summary, the available evidence is currently insufficient to determine the role of this variant in disease. Therefore, it has been classified as a Variant of Uncertain Significance.

NM_004525.3(LRP2):c.11977G>A (p.Ala3993Thr)

Gene: LRP2 (LDL receptor related protein 2; minus strand). Cytogenetic location: 2q31.1.
Variant type: single nucleotide variant.
Coding change: c.11977G>A on transcript NM_004525.3 (MANE Select); coding-DNA position 11977, G replaced by A.
Protein change: p.Ala3993Thr; replaces alanine 3993 with threonine.
Molecular consequence: missense variant.
Genome position (GRCh38, 1-based): chr2:169,157,413, C>T on the plus strand (G>A on the coding strand, the complement: LRP2 is on the minus strand). VCF-style: chr2-169157413-C-T. GRCh37 (hg19) VCF-style: chr2-170013923-C-T.
Other names: short protein forms A3993T.
Identifiers: ClinVar variation 2168813 (VCV002168813.1), dbSNP rs779094574, ClinGen allele CA1952913.
Genomic context (GRCh38, chr2:169,157,413, plus strand): 5'-GGAAAAAATATACTCTACCTAGACAGGAGGTTCTGTCAAAAACATTGGTTTCGAACCCAG[C>T]TGTACAGGAGCAGATAAATCCTCCTTCATTTAATTGGGTACAATTTTGCTCGCATATATT-3'
Protein context (NP_004516.2, residues 3983-4003): NEGGFICSCT[Ala3993Thr]GFETNVFDRT